The following is an entry in ClinVar:

ClinVar aggregate classification (germline): Uncertain significance. Review status: criteria provided, multiple submitters, no conflicts (2 of 4 stars). 2 submissions from 2 submitters: Uncertain significance (2). Last evaluated 2025-08-05.

Conditions:
Inborn genetic diseases. Identifiers: MedGen C0950123, MeSH D030342.

Allele frequency attached by ClinVar (database versions not stated): gnomAD exomes below 0.00001; ExAC 0.00002; TOPMed 0.00005; gnomAD 0.00006; 1000 Genomes Project 0.00020; 1000 Genomes Project 30x 0.00031.
gnomAD v4.1: 14 of 1,613,734 alleles (0.00087%); highest among the groups gnomAD compares: African/African-American, 0.017%; no homozygotes.

Submissions (2):

Ambry Genetics
Classification: Uncertain significance for Inborn genetic diseases. Last evaluated: 2025-08-05. Review status: criteria provided, single submitter. Criteria: Ambry Variant Classification Scheme 2023. Collection method: clinical testing. Allele origin: germline.

Labcorp Genetics (formerly Invitae), Labcorp
Classification: Uncertain significance. Last evaluated: 2024-10-23. Review status: criteria provided, single submitter. Criteria: Invitae Variant Classification Sherloc (09022015). Collection method: clinical testing. Allele origin: germline.
Comment: This sequence change replaces alanine, which is neutral and non-polar, with proline, which is neutral and non-polar, at codon 44 of the POP1 protein (p.Ala44Pro). This variant is present in population databases (rs201751827, gnomAD 0.02%). This variant has not been reported in the literature in individuals affected with POP1-related conditions. ClinVar contains an entry for this variant (Variation ID: 2322171). An algorithm developed to predict the effect of missense changes on protein structure and function (PolyPhen-2) suggests that this variant¬†is likely to be tolerated. In summary, the available evidence is currently insufficient to determine the role of this variant in disease. Therefore, it has been classified as a Variant of Uncertain Significance.

NM_001145860.2(POP1):c.130G>C (p.Ala44Pro)

Gene: POP1 (POP1 ribonuclease P/MRP subunit; plus strand). Cytogenetic location: 8q22.2.
Variant type: single nucleotide variant.
Coding change: c.130G>C on transcript NM_001145860.2 (MANE Select); coding-DNA position 130, G replaced by C.
Protein change: p.Ala44Pro; replaces alanine 44 with proline.
Molecular consequence: missense variant.
Genome position (GRCh38, 1-based): chr8:98,123,467, G>C. VCF-style: chr8-98123467-G-C. GRCh37 (hg19) VCF-style: chr8-99135695-G-C.
Other names: c.130G>C, p.Ala44Pro (NM_001145861.2, NM_015029.3); c.130G>C (NM_015029.2); short protein forms A44P.
Identifiers: ClinVar variation 2322171 (VCV002322171.8), dbSNP rs201751827, ClinGen allele CA4820231.
Genomic context (GRCh38, chr8:98,123,467, plus strand): 5'-TCTGGCTTTGTGGCTGACAGAGGTGTAAAGCACCACAGTGGAGGTGAAAAACCTTTCCAA[G>C]CTCAAAAACAAGGTAAAATACACATAAGAGACCAGGCATGGTGGCTCACGCCTGTAATCC-3'
Protein context (NP_001139332.1, residues 34-54): HHSGGEKPFQ[Ala44Pro]QKQEPHPGTS